The following is an entry in ClinVar:

NM_025114.4(CEP290):c.2132G>C (p.Arg711Thr)

Gene: CEP290 (centrosomal protein 290; minus strand). Cytogenetic location: 12q21.32.
Variant type: single nucleotide variant.
Coding change: c.2132G>C on transcript NM_025114.4 (MANE Select); coding-DNA position 2132, G replaced by C.
Protein change: p.Arg711Thr; replaces arginine 711 with threonine.
Molecular consequence: missense variant.
Genome position (GRCh38, 1-based): chr12:88,111,779, C>G on the plus strand (G>C on the coding strand, the complement: CEP290 is on the minus strand). VCF-style: chr12-88111779-C-G. GRCh37 (hg19) VCF-style: chr12-88505556-C-G.
Other names: c.2132G>C (NM_025114.3); short protein forms R711T.
Identifiers: ClinVar variation 2150626 (VCV002150626.2), dbSNP rs745530399, ClinGen allele CA6712394.
Genomic context (GRCh38, chr12:88,111,779, plus strand): 5'-TGTGAATAATTTATAGCCTCTTTCCGAGATTCCCTGAGCTCCTGTCTTAATTCTTCATTT[C>G]TTCCGGTAAGCTGATCAACTTGGGCTTTCAAATGCAGACTCGCATCAAAGATTCCTTCTG-3'
Protein context (NP_079390.3, residues 701-721): LKAQVDQLTG[Arg711Thr]NEELRQELRE

ClinVar aggregate classification (germline): Uncertain significance. Review status: criteria provided, multiple submitters, no conflicts (2 of 4 stars). 3 submissions from 3 submitters: Uncertain significance (2). 1 of the submissions does not count toward it. Last evaluated 2025-04-16.

Conditions:
Joubert syndrome 5 (JBTS5). Identifiers: Orphanet 2318, MedGen C1857780, MONDO:0012432, OMIM 610188.
Joubert syndrome. Also called: CEREBELLOPARENCHYMAL DISORDER IV; JOUBERT-BOLTSHAUSER SYNDROME; Familial aplasia of the vermis. Identifiers: Orphanet 475, MedGen C5979921, MONDO:0018772.
Nephronophthisis. Also called: Juvenile Nephronophthisis. Identifiers: Orphanet 655, MedGen C0687120, MONDO:0019005, HP:0000090.
Meckel-Gruber syndrome. Also called: DYSENCEPHALIA SPLANCHNOCYSTICA; GRUBER SYNDROME; Dysencephalia splachnocystica. Identifiers: Orphanet 564, MedGen C0265215, MONDO:0018921.
CEP290-related disorder. Also called: CEP290-related condition; CEP290-related disorders. Identifiers: MedGen CN239314.

Allele frequency attached by ClinVar (database versions not stated): ExAC 0.00001; gnomAD 0.00001; gnomAD exomes 0.00001; TOPMed 0.00001.
gnomAD v4.1: 5 of 1,606,760 alleles (0.00031%); highest among the groups gnomAD compares: Non-Finnish European, 0.00042%; no homozygotes.

Submissions (3):

Institute of Medical Genetics and Applied Genomics, University Hospital Tübingen
Classification: Uncertain significance for Joubert syndrome 5. Last evaluated: 2025-04-16. Review status: criteria provided, single submitter. Criteria: ACMG Guidelines, 2015. Collection method: clinical testing. Allele origin: germline. Inheritance: Autosomal recessive inheritance. Affected: yes.

Labcorp Genetics (formerly Invitae), Labcorp
Classification: Uncertain significance for Joubert syndrome; Meckel-Gruber syndrome; Nephronophthisis. Last evaluated: 2022-03-11. Review status: criteria provided, single submitter. Criteria: Invitae Variant Classification Sherloc (09022015). Collection method: clinical testing. Allele origin: germline.
Comment: This sequence change replaces arginine, which is basic and polar, with threonine, which is neutral and polar, at codon 711 of the CEP290 protein (p.Arg711Thr). This variant is present in population databases (rs745530399, gnomAD 0.003%). This variant has not been reported in the literature in individuals affected with CEP290-related conditions. Algorithms developed to predict the effect of missense changes on protein structure and function are either unavailable or do not agree on the potential impact of this missense change (SIFT: "Deleterious"; PolyPhen-2: "Probably Damaging"; Align-GVGD: "Class C0"). In summary, the available evidence is currently insufficient to determine the role of this variant in disease. Therefore, it has been classified as a Variant of Uncertain Significance.

PreventionGenetics, part of Exact Sciences
Classification: Uncertain significance for CEP290-related condition. Last evaluated: 2023-12-13. Review status: no assertion criteria provided. Collection method: clinical testing. Allele origin: germline. Not counted in ClinVar's aggregate classification.
Comment: The CEP290 c.2132G>C variant is predicted to result in the amino acid substitution p.Arg711Thr. To our knowledge, this variant has not been reported in the literature. This variant is reported in 0.0024% of alleles in individuals of European (Non-Finnish) descent in gnomAD. At this time, the clinical significance of this variant is uncertain due to the absence of conclusive functional and genetic evidence.